The following is an entry in ClinVar:

NM_181672.3(OGT):c.2012C>A (p.Ala671Glu)

Gene: OGT (O-linked N-acetylglucosamine (GlcNAc) transferase; plus strand). Cytogenetic location: Xq13.1.
Variant type: single nucleotide variant.
Coding change: c.2012C>A on transcript NM_181672.3 (MANE Select); coding-DNA position 2012, C replaced by A.
Protein change: p.Ala671Glu; replaces alanine 671 with glutamic acid.
Molecular consequence: missense variant.
Genome position (GRCh38, 1-based): chrX:71,562,881, C>A. VCF-style: chrX-71562881-C-A. GRCh37 (hg19) VCF-style: chrX-70782731-C-A.
Other names: c.1982C>A, p.Ala661Glu (NM_181673.3); short protein forms A661E, A671E.
Identifiers: ClinVar variation 4812912 (VCV004812912.1).

ClinVar aggregate classification (germline): Uncertain significance (1 of 4 stars; one submission).

Submission:

GeneDx
Classification: Uncertain significance. Last evaluated: 2025-08-28. Review status: criteria provided, single submitter. Criteria: GeneDx Variant Classification Process June 2021. Collection method: clinical testing. Allele origin: germline. Affected: yes.
Comment: Not observed at significant frequency in large population cohorts (gnomAD); In silico analysis supports that this missense variant has a deleterious effect on protein structure/function; Has not been previously published as pathogenic or benign to our knowledge